The following is an entry in ClinVar:

ClinVar aggregate classification (germline): Conflicting classifications of pathogenicity. Review status: criteria provided, conflicting classifications (1 of 4 stars). 3 submissions from 3 submitters: Pathogenic (1); Likely pathogenic (1); Uncertain significance (1). Last evaluated 2025-08-29.

Conditions:
Intellectual disability, X-linked 49 (MRXSRC). Also called: MENTAL RETARDATION, X-LINKED 15; CLCN4-related X-linked intellectual disability syndrome; RAYNAUD-CLAES SYNDROME; CLCN4-Related Neurodevelopmental Disorder; MRX49. Identifiers: Orphanet 485350, Orphanet 777, MedGen C0796221, MONDO:0010250, OMIM 300114.

Submissions (3):

GeneDx
Classification: Pathogenic. Last evaluated: 2025-08-29. Review status: criteria provided, single submitter. Criteria: GeneDx Variant Classification Process June 2021. Collection method: clinical testing. Allele origin: germline.
Comment: Alters the last nucleotide of the exon and is predicted to destroy the splice donor site and result in aberrant splicing, although in the absence of functional evidence the actual effect of this sequence change is unknown; Not observed at significant frequency in large population cohorts (gnomAD); This variant is associated with the following publications: (PMID: 36385166, 31780880)

Labcorp Genetics (formerly Invitae), Labcorp
Classification: Uncertain significance. Last evaluated: 2025-01-12. Review status: criteria provided, single submitter. Criteria: Invitae Variant Classification Sherloc (09022015). Collection method: clinical testing. Allele origin: germline.
Comment: This sequence change replaces glycine, which is neutral and non-polar, with serine, which is neutral and polar, at codon 526 of the CLCN4 protein (p.Gly526Ser). This variant also falls at the last nucleotide of exon 10, which is part of the consensus splice site for this exon. This variant is not present in population databases (gnomAD no frequency). This missense change has been observed in individual(s) with clinical features of CLCN4-related conditions (PMID: 31780880, 36385166). ClinVar contains an entry for this variant (Variation ID: 495273). An algorithm developed to predict the effect of missense changes on protein structure and function (PolyPhen-2) suggests that this variant is likely to be disruptive. Experimental studies are conflicting or provide insufficient evidence to determine the effect of this variant on CLCN4 function (PMID: 36385166). Variants that disrupt the consensus splice site are a relatively common cause of aberrant splicing (PMID: 17576681, 9536098). Algorithms developed to predict the effect of sequence changes on RNA splicing suggest that this variant may disrupt the consensus splice site. In summary, the available evidence is currently insufficient to determine the role of this variant in disease. Therefore, it has been classified as a Variant of Uncertain Significance.

NeuroMeGen, Hospital Clinico Santiago de Compostela
Classification: Likely pathogenic for Intellectual disability, X-linked 49. Last evaluated: 2018-01-01. Review status: criteria provided, single submitter. Criteria: ACMG Guidelines, 2015. Collection method: clinical testing. Allele origin: unknown. Affected: yes. Observed: 1 hemizygote.

Literature cited by the submitters: PubMed 31780880 (cited by Labcorp Genetics (formerly Invitae), Labcorp); PubMed 36385166 (cited by Labcorp Genetics (formerly Invitae), Labcorp); PubMed 17576681 (cited by Labcorp Genetics (formerly Invitae), Labcorp); PubMed 9536098 (cited by Labcorp Genetics (formerly Invitae), Labcorp).

NM_001830.4(CLCN4):c.1576G>A (p.Gly526Ser)

Gene: CLCN4 (Cl-/H+ antiporter 4; plus strand). Cytogenetic location: Xp22.2.
Variant type: single nucleotide variant.
Coding change: c.1576G>A on transcript NM_001830.4 (MANE Select); coding-DNA position 1576, G replaced by A.
Protein change: p.Gly526Ser; replaces glycine 526 with serine.
Molecular consequence: missense variant.
Genome position (GRCh38, 1-based): chrX:10,212,653, G>A. VCF-style: chrX-10212653-G-A. GRCh37 (hg19) VCF-style: chrX-10180693-G-A.
Other names: c.1294G>A, p.Gly432Ser (NM_001256944.2); short protein forms G526S, G432S.
Identifiers: ClinVar variation 495273 (VCV000495273.12), dbSNP rs1555976973, ClinGen allele CA412041276.